The following is an entry in ClinVar:

ClinVar aggregate classification (germline): Uncertain significance (1 of 4 stars; one submission).

Conditions:
Syndromic multisystem autoimmune disease due to ITCH deficiency. Also called: AUTOIMMUNE DISEASE, MULTISYSTEM, WITH FACIAL DYSMORPHISM. Identifiers: Orphanet 228426, MedGen C3150649, MONDO:0013245, OMIM 613385.

Allele frequency attached by ClinVar (database versions not stated): ExAC 0.00001; gnomAD 0.00001; gnomAD exomes 0.00001.
gnomAD v4.1: 13 of 1,604,930 alleles (0.00081%); highest among the groups gnomAD compares: Non-Finnish European, 0.00094%; no homozygotes.

Submission:

Labcorp Genetics (formerly Invitae), Labcorp
Classification: Uncertain significance for Syndromic multisystem autoimmune disease due to ITCH deficiency. Last evaluated: 2021-07-30. Review status: criteria provided, single submitter. Criteria: Invitae Variant Classification Sherloc (09022015). Collection method: clinical testing. Allele origin: germline.
Comment: This sequence change falls in intron 8 of the ITCH gene. It does not directly change the encoded amino acid sequence of the ITCH protein. It affects a nucleotide within the consensus splice site of the intron. This variant is present in population databases (rs771045304, ExAC 0.002%). This variant has not been reported in the literature in individuals affected with ITCH-related conditions. Nucleotide substitutions within the consensus splice site are a relatively common cause of aberrant splicing (PMID: 17576681, 9536098). Algorithms developed to predict the effect of sequence changes on RNA splicing suggest that this variant may disrupt the consensus splice site. In summary, the available evidence is currently insufficient to determine the role of this variant in disease. Therefore, it has been classified as a Variant of Uncertain Significance.

Literature cited by the submitters: PubMed 17576681; PubMed 9536098.

NM_031483.7(ITCH):c.680-3T>A

Gene: ITCH (itchy E3 ubiquitin protein ligase; plus strand). Cytogenetic location: 20q11.22.
Variant type: single nucleotide variant.
Coding change: c.680-3T>A on transcript NM_031483.7 (MANE Select); 3 bases into the intron before coding-DNA position 680, T replaced by A.
Molecular consequence: intron variant.
Genome position (GRCh38, 1-based): chr20:34,440,152, T>A. VCF-style: chr20-34440152-T-A. GRCh37 (hg19) VCF-style: chr20-33027957-T-A.
Other names: c.803-3T>A (NM_001324197.2, NM_001257137.3); c.680-3T>A (NM_001324198.2); c.350-3T>A (NM_001257138.3).
Identifiers: ClinVar variation 1437911 (VCV001437911.3), dbSNP rs771045304, ClinGen allele CA9821407.